The following is an entry in ClinVar:

ClinVar aggregate classification (germline): Likely pathogenic (1 of 4 stars; one submission).

Conditions:
Obesity. Also called: Obesity disorder. Identifiers: Orphanet 71529, MedGen C0028754, MeSH D009765, MONDO:0011122, HP:0001513.

Allele frequency attached by ClinVar (database versions not stated): TOPMed 0.00003.
gnomAD v4.1: 4 of 1,613,976 alleles (0.00025%); highest among the groups gnomAD compares: African/African-American, 0.004%; no homozygotes.

Submission:

Women's Health and Genetics/Laboratory Corporation of America, LabCorp
Classification: Likely pathogenic for Early Onset Obesity. Last evaluated: 2011-08-18. Review status: criteria provided, single submitter. Criteria: LabCorp Variant Classification Summary - May 2015. Collection method: curation, clinical testing. Allele origin: germline. Inheritance: autosomal unknown. Affected: yes.
ClinVar note: Converted during submission from likely pathogenic to Likely pathogenic.

NM_002303.6(LEPR):c.2880C>G (p.Asn960Lys)

Gene: LEPR (leptin receptor; plus strand). Cytogenetic location: 1p31.3.
Variant type: single nucleotide variant.
Coding change: c.2880C>G on transcript NM_002303.6 (MANE Select); coding-DNA position 2880, C replaced by G.
Protein change: p.Asn960Lys; replaces asparagine 960 with lysine.
Molecular consequence: missense variant.
Genome position (GRCh38, 1-based): chr1:65,636,397, C>G. VCF-style: chr1-65636397-C-G. GRCh37 (hg19) VCF-style: chr1-66102080-C-G.
Other names: short protein forms N960K.
Identifiers: ClinVar variation 36465 (VCV000036465.3), dbSNP rs193922650, ClinGen allele CA214124.
Genomic context (GRCh38, chr1:65,636,397, plus strand): 5'-CTCTCTACTTTCAACAACAGATCTTGAAAAGGGTTCTGTTTGTATTAGTGACCAGTTCAA[C>G]AGTGTTAACTTCTCTGAGGCTGAGGGTACTGAGGTAACCTATGAGGACGAAAGCCAGAGA-3'
Protein context (NP_002294.2, residues 950-970): KGSVCISDQF[Asn960Lys]SVNFSEAEGT